The following is an entry in ClinVar:

NM_015346.4(ZFYVE26):c.684dup (p.Ala229fs)

Gene: ZFYVE26 (zinc finger FYVE-type containing 26; minus strand). Cytogenetic location: 14q24.1.
Variant type: Duplication.
Coding change: c.684dup on transcript NM_015346.4 (MANE Select); coding-DNA position 684, one base duplicated (C; older notation c.684dupC).
Protein change: p.Ala229fs; shifts the reading frame from alanine 229.
Molecular consequence: frameshift variant.
Genome position (GRCh38, 1-based): chr14:67,807,600, G duplicated on the plus strand (C on the coding strand, the reverse complement: ZFYVE26 is on the minus strand); the first of 4 consecutive G bases (chr14:67,807,600-67,807,603); duplicating any one gives the same sequence. VCF-style (leftmost placement, unchanged base first): chr14-67807599-C-CG. GRCh37 (hg19) VCF-style: chr14-68274316-C-CG.
Other names: short protein forms A229fs.
Identifiers: ClinVar variation 2746381 (VCV002746381.3), dbSNP rs2502880553, ClinGen allele CA2697554013.
Genomic context (GRCh38, chr14:67,807,599, plus strand): 5'-TCCTGCAGGCCTCTAGTAGTTCCTCACACAGGAGATGCAACTCAACCCCAAGTGGTTCTG[C>CG]GGGGCAACGCAGAGTCCGCAGGGCTCCATAGATGGCATCGACTACCCCAGGGGGCACCGA-3'

ClinVar aggregate classification (germline): Pathogenic (1 of 4 stars; one submission).

Conditions:
Spastic paraplegia. Identifiers: MedGen C0037772, HP:0001258.

Submission:

Labcorp Genetics (formerly Invitae), Labcorp
Classification: Pathogenic for Spastic paraplegia. Last evaluated: 2023-07-25. Review status: criteria provided, single submitter. Criteria: Invitae Variant Classification Sherloc (09022015). Collection method: clinical testing. Allele origin: germline.
Comment: Algorithms developed to predict the effect of sequence changes on RNA splicing suggest that this variant may create or strengthen a splice site. For these reasons, this variant has been classified as Pathogenic. This variant has not been reported in the literature in individuals affected with ZFYVE26-related conditions. This variant is not present in population databases (gnomAD no frequency). This sequence change creates a premature translational stop signal (p.Ala229Argfs*7) in the ZFYVE26 gene. It is expected to result in an absent or disrupted protein product. Loss-of-function variants in ZFYVE26 are known to be pathogenic (PMID: 18394578, 19805727).

Literature cited by the submitters: PubMed 18394578; PubMed 19805727.